The following is an entry in ClinVar:

ClinVar aggregate classification (germline): Uncertain significance (1 of 4 stars; one submission).

Conditions:
Muscular dystrophy. Identifiers: Orphanet 98473, MedGen C0026850, MeSH D009136, MONDO:0020121, HP:0003560.

Submission:

Broad Center for Mendelian Genomics, Broad Institute of MIT and Harvard
Classification: Uncertain significance for Muscular dystrophy. Last evaluated: 2017-06-26. Review status: criteria provided, single submitter. Criteria: ACMG Guidelines, 2015. Collection method: research. Allele origin: germline. Inheritance: Autosomal dominant inheritance. Affected: yes. Observed: 1 variant allele. Study: Broad Institute Center for Mendelian Genomics (CMG).
Comment: This variant results in the skipping of exon 2 as observed in RNA sequencing and cDNA confirmation studies from the patientâ€™s muscle. The transcripts affected by the skipping of exon 2 occur in the full length TAp63 isoforms of the protein and are expressed at high levels in muscle. A muscle biopsy reveals dystrophic pathology and fibrotic accumulation in the left deltoid, while the quadriceps is spared from disease.

NM_003722.5(TP63):c.191+5G>C

Gene: TP63 (tumor protein p63; plus strand). Cytogenetic location: 3q28.
Variant type: single nucleotide variant.
Coding change: c.191+5G>C on transcript NM_003722.5 (MANE Select); 5 bases into the intron after coding-DNA position 191, G replaced by C.
Molecular consequence: intron variant.
Genome position (GRCh38, 1-based): chr3:189,737,873, G>C. VCF-style: chr3-189737873-G-C. GRCh37 (hg19) VCF-style: chr3-189455662-G-C.
Other names: c.185+5G>C (NM_001329964.2); c.191+5G>C (NM_001114978.2, NM_001329144.2, NM_001329148.2 and 1 more transcripts).
Identifiers: ClinVar variation 495341 (VCV000495341.1), dbSNP rs1553824695, ClinGen allele CA658683374.
Genomic context (GRCh38, chr3:189,737,873, plus strand): 5'-ACAAATGAATTCCTCAGTCCAGAGGTTTTCCAGCATATCTGGGATTTTCTGGAACAGTAA[G>C]TATAAAACAAGCAAGAAATGTTTTGCTTGAGCTAAATAGGTAAATGTGGGTGGTCAAAAT-3'